The following is an entry in ClinVar:

ClinVar aggregate classification (germline): Pathogenic (1 of 4 stars; one submission).

Conditions:
Hereditary cancer-predisposing syndrome. Also called: Neoplastic Syndromes, Hereditary; Tumor predisposition; Hereditary neoplastic syndrome; Hereditary Cancer Syndrome. Identifiers: Orphanet 140162, MedGen C0027672, MeSH D009386, MONDO:0015356.
Cardiovascular phenotype. Identifiers: MedGen CN230736.

Submission:

Ambry Genetics
Classification: Pathogenic for Cardiovascular phenotype; Hereditary cancer-predisposing syndrome. Last evaluated: 2023-05-22. Review status: criteria provided, single submitter. Criteria: Ambry Variant Classification Scheme 2023. Collection method: clinical testing. Allele origin: germline.
Comment: The c.4566delT pathogenic mutation, located in coding exon 34 of the NF1 gene, results from a deletion of one nucleotide at nucleotide position 4566, causing a translational frameshift with a predicted alternate stop codon (p.A1523Hfs*30). This alteration has been observed in at least one individual with a personal and/or family history that is consistent with neurofibromatosis type 1 (NF1) (Ambry internal data). This variant is considered to be rare based on population cohorts in the Genome Aggregation Database (gnomAD). In addition to the clinical data presented in the literature, this alteration is expected to result in loss of function by premature protein truncation or nonsense-mediated mRNA decay. As such, this alteration is interpreted as a disease-causing mutation.

NM_001042492.3(NF1):c.4629del (p.Ala1544fs)

Gene: NF1 (neurofibromin 1; plus strand). Cytogenetic location: 17q11.2.
Variant type: Deletion.
Coding change: c.4629del on transcript NM_001042492.3 (MANE Select); coding-DNA position 4629, one base deleted (T; older notation c.4629delT).
Protein change: p.Ala1544fs; shifts the reading frame from alanine 1544.
Molecular consequence: frameshift variant.
Genome position (GRCh38, 1-based): chr17:31,261,762, T deleted; the last of 2 consecutive T bases (chr17:31,261,761-31,261,762); deleting either gives the same sequence. VCF-style (leftmost placement, unchanged base first): chr17-31261760-CT-C. GRCh37 (hg19) VCF-style: chr17-29588778-CT-C.
Other names: c.4566delT (NM_000267.3); c.4566delT, p.Ala1523Hisfs (NM_000267.4); short protein forms A1523fs, A1544fs.
Identifiers: ClinVar variation 3237792 (VCV003237792.1), dbSNP rs2508429629.